The following is an entry in ClinVar:

ClinVar aggregate classification (germline): Uncertain significance (1 of 4 stars; one submission).

gnomAD v4.1: 1 of 1,614,128 alleles (0.000062%); highest among the groups gnomAD compares: Non-Finnish European, 0.000085%; no homozygotes.

Submission:

GeneDx
Classification: Uncertain significance. Last evaluated: 2024-11-15. Review status: criteria provided, single submitter. Criteria: GeneDx Variant Classification Process June 2021. Collection method: clinical testing. Allele origin: germline. Affected: yes.
Comment: Not observed at significant frequency in large population cohorts (gnomAD); In silico analysis indicates that this missense variant does not alter protein structure/function; Has not been previously published as pathogenic or benign to our knowledge

NM_004525.3(LRP2):c.3343A>G (p.Thr1115Ala)

Gene: LRP2 (LDL receptor related protein 2; minus strand). Cytogenetic location: 2q31.1.
Variant type: single nucleotide variant.
Coding change: c.3343A>G on transcript NM_004525.3 (MANE Select); coding-DNA position 3343, A replaced by G.
Protein change: p.Thr1115Ala; replaces threonine 1115 with alanine.
Molecular consequence: missense variant.
Genome position (GRCh38, 1-based): chr2:169,244,780, T>C on the plus strand (A>G on the coding strand, the complement: LRP2 is on the minus strand). VCF-style: chr2-169244780-T-C. GRCh37 (hg19) VCF-style: chr2-170101290-T-C.
Other names: short protein forms T1115A.
Identifiers: ClinVar variation 3899483 (VCV003899483.1).